The following is an entry in ClinVar:

NM_001378964.1(CDON):c.*140A>G

Gene: CDON (cell adhesion associated, oncogene regulated; minus strand). Cytogenetic location: 11q24.2.
Variant type: single nucleotide variant.
Coding change: c.*140A>G on transcript NM_001378964.1 (MANE Select); 140 bases downstream of the stop codon, A replaced by G.
Molecular consequence: 3 prime UTR variant.
Genome position (GRCh38, 1-based): chr11:125,960,802, T>C on the plus strand (A>G on the coding strand, the complement: CDON is on the minus strand). VCF-style: chr11-125960802-T-C. GRCh37 (hg19) VCF-style: chr11-125830697-T-C.
Other names: c.*140A>G (NM_001243597.3, NM_016952.6).
Identifiers: ClinVar variation 303488 (VCV000303488.7), dbSNP rs3737336, ClinGen allele CA10634062.
Genomic context (GRCh38, chr11:125,960,802, plus strand): 5'-ATGGGGAAGAAAACATTTAAGGCATAAATAATATAAAAGGGCACACGTTTTAAGATACAT[T>C]CATATGACATTACTACTACAAAAAAATAAATAATGATTTTCTCTGATTTGAATTAAGGTC-3'

ClinVar aggregate classification (germline): Benign. Review status: criteria provided, multiple submitters, no conflicts (2 of 4 stars). 3 submissions from 3 submitters: Benign (3). Last evaluated 2019-04-12.

Conditions:
Holoprosencephaly 11 (HPE11). Identifiers: Orphanet 2162, MedGen C3280215, MONDO:0013642, OMIM 614226.

Allele frequency attached by ClinVar (database versions not stated): 1000 Genomes Project 30x 0.24157; gnomAD 0.25467 and 0.25130; gnomAD exomes 0.30203; 1000 Genomes Project 0.24241; TOPMed 0.24684.
gnomAD v4.1: 231,129 of 790,096 alleles (29%); highest among the groups gnomAD compares: South Asian, 32%; 35,027 homozygotes.

Submissions (3):

GeneDx
Classification: Benign. Last evaluated: 2019-04-12. Review status: criteria provided, single submitter. Criteria: GeneDx Variant Classification Process June 2021. Collection method: clinical testing. Allele origin: germline. Affected: yes.

Illumina Laboratory Services, Illumina
Classification: Benign for Holoprosencephaly 11. Last evaluated: 2018-01-12. Review status: criteria provided, single submitter. Criteria: ICSL Variant Classification Criteria 13 December 2019. Collection method: clinical testing. Allele origin: germline.
Comment: This variant was observed in the ICSL laboratory as part of a predisposition screen in an ostensibly healthy population. It had not been previously curated by ICSL or reported in the Human Gene Mutation Database (HGMD: prior to June 1st, 2018), and was therefore a candidate for classification through an automated scoring system. Utilizing variant allele frequency, disease prevalence and penetrance estimates, and inheritance mode, an automated score was calculated to assess if this variant is too frequent to cause the disease. Based on the score and internal cut-off values, a variant classified as benign is not then subjected to further curation. The score for this variant resulted in a classification of benign for this disease.

Breakthrough Genomics
Classification: Benign. Review status: criteria provided, single submitter. Criteria: ACMG Guidelines, 2015. Collection method: not provided. Allele origin: germline. Inheritance: Autosomal dominant inheritance. Affected: yes.